The following is an entry in ClinVar:

NM_003482.4(KMT2D):c.7122C>T (p.Tyr2374=)

Gene: KMT2D (lysine methyltransferase 2D; minus strand). Cytogenetic location: 12q13.12.
Variant type: single nucleotide variant.
Coding change: c.7122C>T on transcript NM_003482.4 (MANE Select); coding-DNA position 7122, C replaced by T.
Protein change: p.Tyr2374=; no amino-acid change (tyrosine 2374 retained).
Molecular consequence: synonymous variant.
Genome position (GRCh38, 1-based): chr12:49,040,648, G>A on the plus strand (C>T on the coding strand, the complement: KMT2D is on the minus strand). VCF-style: chr12-49040648-G-A. GRCh37 (hg19) VCF-style: chr12-49434431-G-A.
Identifiers: ClinVar variation 309047 (VCV000309047.11), dbSNP rs765895211, ClinGen allele CA6547118.

ClinVar aggregate classification (germline): Likely benign. Review status: criteria provided, single submitter (1 of 4 stars). 2 submissions from 2 submitters: Likely benign (1). 1 of the submissions does not count toward it. Last evaluated 2025-11-03.

Conditions:
KMT2D-related disorder. Also called: KMT2D-Related Disorders.
Kabuki syndrome. Also called: Kabuki make-up syndrome; NIIKAWA-KUROKI SYNDROME. Identifiers: Orphanet 2322, MedGen C0796004, MONDO:0016512.

Allele frequency attached by ClinVar (database versions not stated): gnomAD 0.00004 and 0.00005; ExAC 0.00005; gnomAD exomes 0.00005 and 0.00008; TOPMed 0.00006.

Submissions (2):

Labcorp Genetics (formerly Invitae), Labcorp
Classification: Likely benign for Kabuki syndrome. Last evaluated: 2025-11-03. Review status: criteria provided, single submitter. Criteria: Invitae Variant Classification Sherloc (09022015). Collection method: clinical testing. Allele origin: germline.

PreventionGenetics, part of Exact Sciences
Classification: Likely benign for KMT2D-related condition. Last evaluated: 2021-03-08. Review status: no assertion criteria provided. Collection method: clinical testing. Allele origin: germline. Not counted in ClinVar's aggregate classification.
Comment: This variant is classified as likely benign based on ACMG/AMP sequence variant interpretation guidelines (Richards et al. 2015 PMID: 25741868, with internal and published modifications).